The following is an entry in ClinVar:

ClinVar aggregate classification (germline): Uncertain significance (1 of 4 stars; one submission).

Conditions:
KBG syndrome (KBGS). Also called: ANKRD11-Related KBG Syndrome. Identifiers: Orphanet 2332, MedGen C0220687, MONDO:0007846, OMIM 148050.

Allele frequency attached by ClinVar (database versions not stated): TOPMed 0.00002.
gnomAD v4.1: 13 of 1,613,922 alleles (0.00081%); highest among the groups gnomAD compares: East Asian, 0.0045%; no homozygotes.

Submission:

Labcorp Genetics (formerly Invitae), Labcorp
Classification: Uncertain significance for KBG syndrome. Last evaluated: 2025-11-16. Review status: criteria provided, single submitter. Criteria: Invitae Variant Classification Sherloc (09022015). Collection method: clinical testing. Allele origin: germline.
Comment: This sequence change replaces alanine, which is neutral and non-polar, with valine, which is neutral and non-polar, at codon 1276 of the ANKRD11 protein (p.Ala1276Val). This variant is present in population databases (rs762783165, gnomAD 0.007%). This variant has not been reported in the literature in individuals affected with ANKRD11-related conditions. ClinVar contains an entry for this variant (Variation ID: 2888773). Invitae Evidence Modeling of protein sequence and biophysical properties (such as structural, functional, and spatial information, amino acid conservation, physicochemical variation, residue mobility, and thermodynamic stability) indicates that this missense variant is not expected to disrupt ANKRD11 protein function with a negative predictive value of 95%. In summary, the available evidence is currently insufficient to determine the role of this variant in disease. Therefore, it has been classified as a Variant of Uncertain Significance.

NM_013275.6(ANKRD11):c.3827C>T (p.Ala1276Val)

Gene: ANKRD11 (ankyrin repeat domain 11; minus strand). Cytogenetic location: 16q24.3.
Variant type: single nucleotide variant.
Coding change: c.3827C>T on transcript NM_013275.6 (MANE Select); coding-DNA position 3827, C replaced by T.
Protein change: p.Ala1276Val; replaces alanine 1276 with valine.
Molecular consequence: missense variant.
Genome position (GRCh38, 1-based): chr16:89,282,715, G>A on the plus strand (C>T on the coding strand, the complement: ANKRD11 is on the minus strand). VCF-style: chr16-89282715-G-A. GRCh37 (hg19) VCF-style: chr16-89349123-G-A.
Other names: c.3827C>T, p.Ala1276Val (NM_001256182.2, NM_001256183.2); short protein forms A1276V.
Identifiers: ClinVar variation 2888773 (VCV002888773.3), dbSNP rs762783165, ClinGen allele CA286516953.